The following is an entry in ClinVar:

ClinVar aggregate classification (germline): Uncertain significance. Review status: criteria provided, multiple submitters, no conflicts (2 of 4 stars). 2 submissions from 2 submitters: Uncertain significance (2). Last evaluated 2020-12-08.

Conditions:
Multiple congenital anomalies-hypotonia-seizures syndrome 2 (MCAHS2). Also called: EPILEPTIC ENCEPHALOPATHY, EARLY INFANTILE, 20; GLYCOSYLPHOSPHATIDYLINOSITOL BIOSYNTHESIS DEFECT 4. Identifiers: Orphanet 300496, MedGen C3275508, MONDO:0010466, OMIM 300868.

Submissions (2):

Baylor Genetics
Classification: Uncertain significance for Multiple congenital anomalies-hypotonia-seizures syndrome 2. Last evaluated: 2020-12-08. Review status: criteria provided, single submitter. Criteria: ACMG Guidelines, 2015. Collection method: clinical testing. Allele origin: unknown. Affected: yes.
Comment: This variant was determined to be of uncertain significance according to ACMG Guidelines, 2015 [PMID:25741868].

Labcorp Genetics (formerly Invitae), Labcorp
Classification: Uncertain significance for Multiple congenital anomalies-hypotonia-seizures syndrome 2. Last evaluated: 2020-11-13. Review status: criteria provided, single submitter. Criteria: Invitae Variant Classification Sherloc (09022015). Collection method: clinical testing. Allele origin: germline.
Comment: This sequence change replaces phenylalanine with tyrosine at codon 131 of the PIGA protein (p.Phe131Tyr). The phenylalanine residue is highly conserved and there is a small physicochemical difference between phenylalanine and tyrosine. This variant is not present in population databases (ExAC no frequency). This variant has been observed in individual(s) with clinical features of PIGA-related conditions (Invitae). Algorithms developed to predict the effect of missense changes on protein structure and function are either unavailable or do not agree on the potential impact of this missense change (SIFT: "Tolerated"; PolyPhen-2: "Probably Damaging"; Align-GVGD: "Class C0"). In summary, the available evidence is currently insufficient to determine the role of this variant in disease. Therefore, it has been classified as a Variant of Uncertain Significance.

NM_002641.4(PIGA):c.392T>A (p.Phe131Tyr)

Gene: PIGA (phosphatidylinositol glycan anchor biosynthesis class A; minus strand). Cytogenetic location: Xp22.2.
Variant type: single nucleotide variant.
Coding change: c.392T>A on transcript NM_002641.4 (MANE Select); coding-DNA position 392, T replaced by A.
Protein change: p.Phe131Tyr; replaces phenylalanine 131 with tyrosine.
Molecular consequence: missense variant. On other transcripts: intron variant (1).
Genome position (GRCh38, 1-based): chrX:15,331,539, A>T on the plus strand (T>A on the coding strand, the complement: PIGA is on the minus strand). VCF-style: chrX-15331539-A-T. GRCh37 (hg19) VCF-style: chrX-15349661-A-T.
Other names: c.13+3962T>A (NM_020473.3); short protein forms F131Y.
Identifiers: ClinVar variation 1029614 (VCV001029614.9), dbSNP rs1922155142, ClinGen allele CA412340254.